The following is an entry in ClinVar:

NM_015896.4(ZMYND10):c.600-9_600-8insA

Gene: ZMYND10 (zinc finger MYND-type containing 10; minus strand). Cytogenetic location: 3p21.31.
Variant type: Insertion.
Coding change: c.600-9_600-8insA on transcript NM_015896.4 (MANE Select); 9 bases into the intron before coding-DNA position 600 through 8 bases into the intron before coding-DNA position 600, A inserted.
Molecular consequence: intron variant.
Genome position: GRCh38 VCF-style: chr3-50343026-C-CT. GRCh37 (hg19) VCF-style: chr3-50380457-C-CT.
Other names: c.599+91_599+92insA (NM_001308379.2).
Identifiers: ClinVar variation 2001137 (VCV002001137.4), dbSNP rs1703437359, ClinGen allele CA1363903176.

ClinVar aggregate classification (germline): Uncertain significance (1 of 4 stars; one submission).

Conditions:
Primary ciliary dyskinesia. Also called: Ciliary dyskinesia. Identifiers: Orphanet 244, MedGen C0008780, MONDO:0016575, HP:0012265.

Allele frequency attached by ClinVar (database versions not stated): TOPMed below 0.00001.

Submission:

Labcorp Genetics (formerly Invitae), Labcorp
Classification: Uncertain significance for Primary ciliary dyskinesia. Last evaluated: 2022-03-18. Review status: criteria provided, single submitter. Criteria: Invitae Variant Classification Sherloc (09022015). Collection method: clinical testing. Allele origin: germline.
Comment: This sequence change falls in intron 6 of the ZMYND10 gene. It does not directly change the encoded amino acid sequence of the ZMYND10 protein. This variant is not present in population databases (gnomAD no frequency). This variant has not been reported in the literature in individuals affected with ZMYND10-related conditions. Algorithms developed to predict the effect of sequence changes on RNA splicing suggest that this variant may disrupt the consensus splice site. In summary, the available evidence is currently insufficient to determine the role of this variant in disease. Therefore, it has been classified as a Variant of Uncertain Significance.